The following is an entry in ClinVar:

ClinVar aggregate classification (germline): Likely benign (1 of 4 stars; one submission).

Conditions:
CENPF-related disorder. Also called: CENPF-related condition.

Submission:

PreventionGenetics, part of Exact Sciences
Classification: Likely benign for CENPF-related condition. Last evaluated: 2024-10-10. Review status: criteria provided, single submitter. Criteria: ACMG Guidelines, 2015. Collection method: clinical testing. Allele origin: germline.
Comment: This variant is classified as likely benign based on ACMG/AMP sequence variant interpretation guidelines (Richards et al. 2015 PMID: 25741868, with internal and published modifications).

NM_016343.4(CENPF):c.4671G>A (p.Glu1557=)

Gene: CENPF (centromere protein F; plus strand). Cytogenetic location: 1q41.
Variant type: single nucleotide variant.
Coding change: c.4671G>A on transcript NM_016343.4 (MANE Select); coding-DNA position 4671, G replaced by A.
Protein change: p.Glu1557=; no amino-acid change (glutamic acid 1557 retained).
Molecular consequence: synonymous variant.
Genome position (GRCh38, 1-based): chr1:214,643,009, G>A. VCF-style: chr1-214643009-G-A. GRCh37 (hg19) VCF-style: chr1-214816352-G-A.
Identifiers: ClinVar variation 4988026 (VCV004988026.1).
Genomic context (GRCh38, chr1:214,643,009, plus strand): 5'-CAGGAAAGAAACCCCTTCGGCCCCAGCGAAGGGTGTTGAAGAGCTTGAGTCCCTCTGTGA[G>A]GTGTACCGGCAGTCCCTCGAGAAGCTAGAAGAGAAAATGGAAAGTCAAGGGATTATGAAA-3'
Protein context (NP_057427.3, residues 1547-1567): KGVEELESLC[Glu1557=]VYRQSLEKLE